The following is an entry in ClinVar:

NM_000557.5(GDF5):c.462C>A (p.Pro154=)

Gene: GDF5 (growth differentiation factor 5; minus strand). Cytogenetic location: 20q11.22.
Variant type: single nucleotide variant.
Coding change: c.462C>A on transcript NM_000557.5 (MANE Select); coding-DNA position 462, C replaced by A.
Protein change: p.Pro154=; no amino-acid change (proline 154 retained).
Molecular consequence: synonymous variant.
Genome position (GRCh38, 1-based): chr20:35,437,467, G>T on the plus strand (C>A on the coding strand, the complement: GDF5 is on the minus strand). VCF-style: chr20-35437467-G-T. GRCh37 (hg19) VCF-style: chr20-34025247-G-T.
Other names: c.462C>A, p.Pro154= (NM_001319138.2).
Identifiers: ClinVar variation 193119 (VCV000193119.22), dbSNP rs150686636, ClinGen allele CA200328.

ClinVar aggregate classification (germline): Benign/Likely benign. Review status: criteria provided, multiple submitters, no conflicts (2 of 4 stars). 10 submissions from 6 submitters: Benign (5); Likely benign (5). Last evaluated 2026-01-25.

Conditions:
Brachydactyly. Also called: Brachydactyly syndrome; Brachydactyly (disease). Identifiers: MedGen C0221357, MONDO:0021004, HP:0001156.
Grebe syndrome. Also called: ACROMESOMELIC DYSPLASIA, GREBE TYPE; GREBE DYSPLASIA; ACROMESOMELIC DYSPLASIA 2A. Identifiers: Orphanet 2098, MedGen C0265260, MONDO:0008703, OMIM 200700.
Acromesomelic dysplasia 2B. Also called: DU PAN SYNDROME. Identifiers: Orphanet 2639, MedGen C1856738, MONDO:0009231, OMIM 228900.
Multiple synostoses syndrome 2 (SYNS2). Identifiers: Orphanet 3237, MedGen C1832708, MONDO:0012394, OMIM 610017.
Acromesomelic dysplasia 2C, Hunter-Thompson type. Also called: Acromesomelic dysplasia, Hunter-Thompson type. Identifiers: Orphanet 968, MedGen C2930970, MONDO:0008717, OMIM 201250.

Allele frequency attached by ClinVar (database versions not stated): gnomAD exomes 0.00021 and 0.00049; ExAC 0.00068; ESP Exome Variant Server 0.00223; gnomAD 0.00228 and 0.00236; TOPMed 0.00236; 1000 Genomes Project 0.00300; 1000 Genomes Project 30x 0.00312.
gnomAD v4.1: 686 of 1,614,100 alleles (0.043%); highest among the groups gnomAD compares: African/African-American, 0.78%; 1 homozygote.

Submissions (10):

Labcorp Genetics (formerly Invitae), Labcorp
Classification: Benign. Last evaluated: 2026-01-25. Review status: criteria provided, single submitter. Criteria: Invitae Variant Classification Sherloc (09022015). Collection method: clinical testing. Allele origin: germline.

ARUP Laboratories, Molecular Genetics and Genomics, ARUP Laboratories
Classification: Likely benign. Last evaluated: 2025-06-20. Review status: criteria provided, single submitter. Criteria: ARUP Molecular Germline Variant Investigation Process 2024. Collection method: clinical testing. Allele origin: germline.

Blueprint Genetics
Classification: Benign. Last evaluated: 2024-11-13. Review status: criteria provided, single submitter. Criteria: ACMG Guidelines, 2015. Collection method: clinical testing. Allele origin: germline.

Illumina Laboratory Services, Illumina
Classification: Likely benign for Fibular hypoplasia and complex brachydactyly. Last evaluated: 2018-01-13. Review status: criteria provided, single submitter. Criteria: ICSL Variant Classification Criteria 13 December 2019. Collection method: clinical testing. Allele origin: germline.
Comment: This variant was observed in the ICSL laboratory as part of a predisposition screen in an ostensibly healthy population. It had not been previously curated by ICSL or reported in the Human Gene Mutation Database (HGMD: prior to June 1st, 2018), and was therefore a candidate for classification through an automated scoring system. Utilizing variant allele frequency, disease prevalence and penetrance estimates, and inheritance mode, an automated score was calculated to assess if this variant is too frequent to cause the disease. Based on the score and internal cut-off values, a variant classified as likely benign is not then subjected to further curation. The score for this variant resulted in a classification of likely benign for this disease.

Illumina Laboratory Services, Illumina
Classification: Benign for Multiple synostoses syndrome 2. Last evaluated: 2018-01-13. Review status: criteria provided, single submitter. Criteria: ICSL Variant Classification Criteria 13 December 2019. Collection method: clinical testing. Allele origin: germline.
Comment: This variant was observed in the ICSL laboratory as part of a predisposition screen in an ostensibly healthy population. It had not been previously curated by ICSL or reported in the Human Gene Mutation Database (HGMD: prior to June 1st, 2018), and was therefore a candidate for classification through an automated scoring system. Utilizing variant allele frequency, disease prevalence and penetrance estimates, and inheritance mode, an automated score was calculated to assess if this variant is too frequent to cause the disease. Based on the score and internal cut-off values, a variant classified as benign is not then subjected to further curation. The score for this variant resulted in a classification of benign for this disease.

Illumina Laboratory Services, Illumina
Classification: Likely benign for Acromesomelic dysplasia 2C, Hunter-Thompson type. Last evaluated: 2018-01-13. Review status: criteria provided, single submitter. Criteria: ICSL Variant Classification Criteria 13 December 2019. Collection method: clinical testing. Allele origin: germline.
Comment: the same text as in the submission from Illumina Laboratory Services, Illumina above.

Illumina Laboratory Services, Illumina
Classification: Benign for Brachydactyly. Last evaluated: 2018-01-13. Review status: criteria provided, single submitter. Criteria: ICSL Variant Classification Criteria 13 December 2019. Collection method: clinical testing. Allele origin: germline.
Comment: the same text as in the submission from Illumina Laboratory Services, Illumina above.

Illumina Laboratory Services, Illumina
Classification: Likely benign for Grebe syndrome. Last evaluated: 2018-01-13. Review status: criteria provided, single submitter. Criteria: ICSL Variant Classification Criteria 13 December 2019. Collection method: clinical testing. Allele origin: germline.
Comment: the same text as in the submission from Illumina Laboratory Services, Illumina above.

Eurofins Ntd Llc (ga)
Classification: Benign. Last evaluated: 2015-04-23. Review status: criteria provided, single submitter. Criteria: EGL Classification Definitions 2015. Collection method: clinical testing. Allele origin: germline. Observed: 1 variant allele, 1 heterozygote.

Breakthrough Genomics
Classification: Likely benign. Review status: criteria provided, single submitter. Criteria: ACMG Guidelines, 2015. Collection method: not provided. Allele origin: germline. Inheritance: Autosomal recessive inheritance. Affected: yes.